The following is an entry in ClinVar:

NM_003336.4(UBE2A):c.328C>G (p.Gln110Glu)

Gene: UBE2A (ubiquitin conjugating enzyme E2 A; plus strand). Cytogenetic location: Xq24.
Variant type: single nucleotide variant.
Coding change: c.328C>G on transcript NM_003336.4 (MANE Select); coding-DNA position 328, C replaced by G.
Protein change: p.Gln110Glu; replaces glutamine 110 with glutamic acid.
Molecular consequence: missense variant.
Genome position (GRCh38, 1-based): chrX:119,582,674, C>G. VCF-style: chrX-119582674-C-G. GRCh37 (hg19) VCF-style: chrX-118716637-C-G.
Other names: c.229C>G, p.Gln77Glu (NM_001282161.2); c.238C>G, p.Gln80Glu (NM_181762.3); short protein forms Q77E, Q80E, Q110E.
Identifiers: ClinVar variation 2138710 (VCV002138710.4), dbSNP rs2520655936, ClinGen allele CA414376686.

ClinVar aggregate classification (germline): Pathogenic (1 of 4 stars; one submission).

Submission:

Labcorp Genetics (formerly Invitae), Labcorp
Classification: Pathogenic. Last evaluated: 2022-02-11. Review status: criteria provided, single submitter. Criteria: Invitae Variant Classification Sherloc (09022015). Collection method: clinical testing. Allele origin: germline.
Comment: For these reasons, this variant has been classified as Pathogenic. Algorithms developed to predict the effect of sequence changes on RNA splicing suggest that this variant may create or strengthen a splice site. Algorithms developed to predict the effect of missense changes on protein structure and function (SIFT, PolyPhen-2, Align-GVGD) all suggest that this variant is likely to be disruptive. This missense change has been observed in individual(s) with X-linked intellectual disability (PMID: 25679214, 30179896). It has also been observed to segregate with disease in related individuals. This variant is not present in population databases (gnomAD no frequency). This sequence change replaces glutamine, which is neutral and polar, with glutamic acid, which is acidic and polar, at codon 110 of the UBE2A protein (p.Gln110Glu).

Literature cited by the submitters: PubMed 25679214; PubMed 30179896.